The following is an entry in ClinVar:

ClinVar aggregate classification (germline): Uncertain significance. Review status: criteria provided, multiple submitters, no conflicts (2 of 4 stars). 2 submissions from 2 submitters: Uncertain significance (2). Last evaluated 2023-12-26.

Conditions:
Facial dysmorphism-immunodeficiency-livedo-short stature syndrome. Also called: Facial dysmorphism, immunodeficiency, livedo, and short stature; FILS syndrome. Identifiers: Orphanet 352712, MedGen C3554576, MONDO:0014058, OMIM 615139.
Colorectal cancer, susceptibility to, 12 (CRCS12). Also called: COLORECTAL CANCER, SUSCEPTIBILITY TO, ON CHROMOSOME 12q24. Identifiers: Orphanet 220460, MedGen C3554460, MONDO:0014038, OMIM 615083.
Intrauterine growth retardation, metaphyseal dysplasia, adrenal hypoplasia congenita, genital anomalies, and immunodeficiency. Also called: IMAGEI SYNDROME. Identifiers: MedGen C5193036, MONDO:0032684, OMIM 618336.
Hereditary cancer-predisposing syndrome. Also called: Neoplastic Syndromes, Hereditary; Tumor predisposition; Hereditary neoplastic syndrome; Hereditary Cancer Syndrome. Identifiers: Orphanet 140162, MedGen C0027672, MeSH D009386, MONDO:0015356.

Allele frequency attached by ClinVar (database versions not stated): gnomAD exomes below 0.00001.

Submissions (2):

Ambry Genetics
Classification: Uncertain significance for Hereditary cancer-predisposing syndrome. Last evaluated: 2023-12-26. Review status: criteria provided, single submitter. Criteria: Ambry Variant Classification Scheme 2023. Collection method: clinical testing. Allele origin: germline.
Comment: The p.E315G variant (also known as c.944A>G), located in coding exon 10 of the POLE gene, results from an A to G substitution at nucleotide position 944. The glutamic acid at codon 315 is replaced by glycine, an amino acid with similar properties. This amino acid position is highly conserved in available vertebrate species. In addition, the in silico prediction for this alteration is inconclusive. Since supporting evidence is limited at this time, the clinical significance of this alteration remains unclear.

Department of Pathology and Laboratory Medicine, Sinai Health System
Classification: Uncertain significance for Colorectal cancer, susceptibility to, 12; Facial dysmorphism-immunodeficiency-livedo-short stature syndrome; Intrauterine growth retardation, metaphyseal dysplasia, adrenal hypoplasia congenita, genital anomalies, and immunodeficiency. Last evaluated: 2022-08-24. Review status: criteria provided, single submitter. Criteria: ACMG Guidelines, 2015. Collection method: clinical testing. Allele origin: germline. Affected: yes.

NM_006231.4(POLE):c.944A>G (p.Glu315Gly)

Gene: POLE (DNA polymerase epsilon, catalytic subunit; minus strand). Cytogenetic location: 12q24.33.
Variant type: single nucleotide variant.
Coding change: c.944A>G on transcript NM_006231.4 (MANE Select); coding-DNA position 944, A replaced by G.
Protein change: p.Glu315Gly; replaces glutamic acid 315 with glycine.
Molecular consequence: missense variant.
Genome position (GRCh38, 1-based): chr12:132,676,170, T>C on the plus strand (A>G on the coding strand, the complement: POLE is on the minus strand). VCF-style: chr12-132676170-T-C. GRCh37 (hg19) VCF-style: chr12-133252756-T-C.
Other names: short protein forms E315G.
Identifiers: ClinVar variation 3225512 (VCV003225512.2), dbSNP rs2542167677, ClinGen allele CA387363838.